The following is an entry in ClinVar:

NM_007373.4(SHOC2):c.664A>G (p.Ile222Val)

Gene: SHOC2 (SHOC2 leucine rich repeat scaffold protein; plus strand). Cytogenetic location: 10q25.2.
Variant type: single nucleotide variant.
Coding change: c.664A>G on transcript NM_007373.4 (MANE Select); coding-DNA position 664, A replaced by G.
Protein change: p.Ile222Val; replaces isoleucine 222 with valine.
Molecular consequence: missense variant.
Genome position (GRCh38, 1-based): chr10:110,965,022, A>G. VCF-style: chr10-110965022-A-G. GRCh37 (hg19) VCF-style: chr10-112724780-A-G.
Other names: c.664A>G, p.Ile222Val (NM_001269039.3, NM_001324336.2, NM_001324337.2); short protein forms I222V.
Identifiers: ClinVar variation 3708204 (VCV003708204.2).

ClinVar aggregate classification (germline): Uncertain significance (1 of 4 stars; one submission).

Conditions:
RASopathy. Also called: rasopathies; Noonan spectrum disorder. Identifiers: Orphanet 536391, MedGen C5555857, MONDO:0021060.

gnomAD v4.1: 2 of 1,613,906 alleles (0.00012%); highest among the groups gnomAD compares: Non-Finnish European, 0.00017%; no homozygotes.

Submission:

Labcorp Genetics (formerly Invitae), Labcorp
Classification: Uncertain significance for RASopathy. Last evaluated: 2024-07-23. Review status: criteria provided, single submitter. Criteria: Invitae Variant Classification Sherloc (09022015). Collection method: clinical testing. Allele origin: germline.
Comment: This sequence change replaces isoleucine, which is neutral and non-polar, with valine, which is neutral and non-polar, at codon 222 of the SHOC2 protein (p.Ile222Val). This variant is not present in population databases (gnomAD no frequency). This variant has not been reported in the literature in individuals affected with SHOC2-related conditions. Advanced modeling of protein sequence and biophysical properties (such as structural, functional, and spatial information, amino acid conservation, physicochemical variation, residue mobility, and thermodynamic stability) performed at Invitae indicates that this missense variant is not expected to disrupt SHOC2 protein function with a negative predictive value of 80%. In summary, the available evidence is currently insufficient to determine the role of this variant in disease. Therefore, it has been classified as a Variant of Uncertain Significance.